The following is an entry in ClinVar:

ClinVar aggregate classification (germline): Uncertain significance. Review status: criteria provided, multiple submitters, no conflicts (2 of 4 stars). 2 submissions from 2 submitters: Uncertain significance (2). Last evaluated 2022-05-04.

Allele frequency attached by ClinVar (database versions not stated): gnomAD 0.00001; TOPMed 0.00008.
gnomAD v4.1: 32 of 1,284,818 alleles (0.0025%); highest among the groups gnomAD compares: Middle Eastern, 0.059%; no homozygotes.

Submissions (2):

Labcorp Genetics (formerly Invitae), Labcorp
Classification: Uncertain significance. Last evaluated: 2022-05-04. Review status: criteria provided, single submitter. Criteria: Invitae Variant Classification Sherloc (09022015). Collection method: clinical testing. Allele origin: germline.
Comment: This sequence change replaces alanine, which is neutral and non-polar, with valine, which is neutral and non-polar, at codon 6 of the SMARCD2 protein (p.Ala6Val). This variant is not present in population databases (gnomAD no frequency). This variant has not been reported in the literature in individuals affected with SMARCD2-related conditions. Algorithms developed to predict the effect of missense changes on protein structure and function are either unavailable or do not agree on the potential impact of this missense change (SIFT: "Deleterious"; PolyPhen-2: "Not Available"; Align-GVGD: "Class C0"). In summary, the available evidence is currently insufficient to determine the role of this variant in disease. Therefore, it has been classified as a Variant of Uncertain Significance.

Breakthrough Genomics
Classification: Uncertain significance. Review status: criteria provided, single submitter. Criteria: ACMG Guidelines, 2015. Collection method: not provided. Allele origin: germline. Inheritance: Autosomal recessive inheritance. Affected: yes.

NM_001098426.2(SMARCD2):c.17C>T (p.Ala6Val)

Gene: SMARCD2 (SWI/SNF related BAF chromatin remodeling complex subunit D2; minus strand). Cytogenetic location: 17q23.3.
Variant type: single nucleotide variant.
Coding change: c.17C>T on transcript NM_001098426.2 (MANE Select); coding-DNA position 17, C replaced by T.
Protein change: p.Ala6Val; replaces alanine 6 with valine.
Molecular consequence: missense variant.
Genome position (GRCh38, 1-based): chr17:63,842,658, G>A on the plus strand (C>T on the coding strand, the complement: SMARCD2 is on the minus strand). VCF-style: chr17-63842658-G-A. GRCh37 (hg19) VCF-style: chr17-61920018-G-A.
Other names: short protein forms A6V.
Identifiers: ClinVar variation 1363499 (VCV001363499.4), dbSNP rs961564802, ClinGen allele CA292957794.
Genomic context (GRCh38, chr17:63,842,658, plus strand): 5'-CCCAGGGCCGCAGCCACGGCGCCGCCGCCAGGGCTTAGCGGGGGCAGCGGGAACCCGCCC[G>A]CGCCTCGGCCCGACATCGCTCCGTCCCGTCCCGCGGTGCCGCGATCCGGACTCCGGGCTC-3'
Protein context (NP_001091896.1, residues 1-16): MSGRG[Ala6Val]GGFPLPPLSP